The following is an entry in ClinVar:

ClinVar aggregate classification (germline): Pathogenic. Review status: reviewed by expert panel (3 of 4 stars). 7 submissions from 7 submitters: Pathogenic (1). 6 of the submissions do not count toward it. Last evaluated 2025-11-17.

Conditions:
Autosomal recessive limb-girdle muscular dystrophy. Identifiers: Orphanet 102015, MedGen C2931907, MONDO:0015152.
Autosomal recessive limb-girdle muscular dystrophy type 2A (LGMDR1). Also called: Calpainopathy; Muscular dystrophy, limb-girdle, type 2A, Amish; LEYDEN-MOEBIUS MUSCULAR DYSTROPHY; MUSCULAR DYSTROPHY, PELVOFEMORAL; Limb-girdle muscular dystrophy, type 2A. Identifiers: Orphanet 267, MedGen C1869123, MONDO:0009675, OMIM 253600. Disease mechanism: loss of function.
Muscular dystrophy, limb-girdle, autosomal dominant 4. Also called: Calpain-3-related limb-girdle muscular dystrophy D4; MUSCULAR DYSTROPHY, LIMB-GIRDLE, TYPE 1I. Identifiers: Orphanet 565909, MedGen C4748295, MONDO:0029133, OMIM 618129.

Allele frequency attached by ClinVar (database versions not stated): TOPMed below 0.00001; gnomAD 0.00001.

Submissions (7):

ClinGen Limb Girdle Muscular Dystrophy Variant Curation Expert Panel, ClinGen
Classification: Pathogenic for Autosomal recessive limb-girdle muscular dystrophy. Last evaluated: 2025-11-17. Review status: reviewed by expert panel. Criteria: ClinGen LGMD VCEP ACMG Specifications CAPN3 V2.0.0. Collection method: curation. Allele origin: germline. Inheritance: Autosomal recessive inheritance.
Comment: The NM_000070.3: c.1611C>A variant in CAPN3 is a nonsense variant predicted to cause a premature stop codon in biologically relevant exon 13/24, p.(Tyr537Ter), leading to nonsense mediated decay in a gene in which loss of function is an established disease mechanism (PVS1). This variant has been reported in at least seven unrelated individuals with features consistent with LGMD (PMID: 9150160, 16100770, 16411092, 18854869, 25046369, 33304817, 37526466), including in a homozygous state in the probands of two consanguineous families (0.25 pts x2; PMID: 9150160, 16411092) and confirmed in trans with a pathogenic variant in one patient (c.550del, p.(Thr184ArgfsTer36), 1.0 pt, PMID: 16100770) (PM3). At least one individual with this variant and a second presumed diagnostic CAPN3 variant displayed progressive limb girdle muscle weakness or had a clinical suspicion of LGMD (PMID: 9150160, 16100770, 16411092, 18854869, 25046369, 33304817, 37526466; PP4). This variant has also been reported to co-segregate with autosomal recessive LGMD in two affected family members from two families (PMID: 9150160, 16100770; PP1_Moderate). The Grpmax variant allele frequency in gnomAD v4.1.0 is 0.000002542 (3/1180032 European (non-Finnish) chromosomes), which is less than the ClinGen LGMD VCEP threshold (≤0.0001) (PM2_Supporting). In summary, this variant meets the criteria to be classified as Pathogenic for autosomal recessive limb girdle muscular dystrophy based on the ACMG/AMP criteria applied, as specified by the ClinGen LGMD VCEP (LGMD VCEP specifications version 2.0.0; 11/17/2025): PVS1, PM3, PP4, PP1_Moderate, PM2_Supporting.

Labcorp Genetics (formerly Invitae), Labcorp
Classification: Pathogenic for Autosomal recessive limb-girdle muscular dystrophy type 2A. Last evaluated: 2025-09-25. Review status: criteria provided, single submitter. Criteria: Invitae Variant Classification Sherloc (09022015). Collection method: clinical testing. Allele origin: germline. Not counted in ClinVar's aggregate classification.
Comment: This sequence change creates a premature translational stop signal (p.Tyr537*) in the CAPN3 gene. It is expected to result in an absent or disrupted protein product. Loss-of-function variants in CAPN3 are known to be pathogenic (PMID: 10330340, 15689361). This variant is not present in population databases (gnomAD no frequency). This premature translational stop signal has been observed in individual(s) with limb-girdle muscular dystrophy (LGMD) (PMID: 9150160). It has also been observed to segregate with disease in related individuals. ClinVar contains an entry for this variant (Variation ID: 282617). For these reasons, this variant has been classified as Pathogenic.

Baylor Genetics
Classification: Pathogenic for Muscular dystrophy, limb-girdle, autosomal dominant 4. Last evaluated: 2023-11-20. Review status: criteria provided, single submitter. Criteria: ACMG Guidelines, 2015. Collection method: clinical testing. Allele origin: unknown. Not counted in ClinVar's aggregate classification.

Kariminejad - Najmabadi Pathology & Genetics Center
Classification: Pathogenic for Autosomal recessive limb-girdle muscular dystrophy type 2A. Last evaluated: 2023-07-20. Review status: criteria provided, single submitter. Criteria: ACMG Guidelines, 2015. Collection method: clinical testing. Allele origin: germline. Inheritance: Autosomal recessive inheritance. Affected: yes. Not counted in ClinVar's aggregate classification.
Comment: PVS1_very strong,PM2,PP5

Laboratory of Medical Genetics, National & Kapodistrian University of Athens
Classification: Pathogenic for Autosomal recessive limb-girdle muscular dystrophy type 2A. Last evaluated: 2021-10-01. Review status: criteria provided, single submitter. Criteria: ACMG Guidelines, 2015. Collection method: clinical testing. Allele origin: unknown. Affected: yes. Not counted in ClinVar's aggregate classification.
Comment: PVS1, PM1, PM2, PP3, PP5

Revvity Omics, Revvity
Classification: Pathogenic. Last evaluated: 2021-08-09. Review status: criteria provided, single submitter. Criteria: ACMG Guidelines, 2015. Collection method: clinical testing. Allele origin: germline. Not counted in ClinVar's aggregate classification.

Eurofins Ntd Llc (ga)
Classification: Pathogenic. Last evaluated: 2015-08-11. Review status: criteria provided, single submitter. Criteria: EGL Classification Definitions 2015. Collection method: clinical testing. Allele origin: germline. Observed: 1 variant allele, 1 homozygote. Not counted in ClinVar's aggregate classification.

Literature cited by the submitters: PubMed 10330340 (cited by Labcorp Genetics (formerly Invitae), Labcorp); PubMed 15689361 (cited by Labcorp Genetics (formerly Invitae), Labcorp); PubMed 9150160 (cited by Labcorp Genetics (formerly Invitae), Labcorp); PubMed 34008892 (cited by Laboratory of Medical Genetics, National & Kapodistrian University of Athens).

NM_000070.3(CAPN3):c.1611C>A (p.Tyr537Ter)

Gene: CAPN3 (calpain 3; plus strand). Cytogenetic location: 15q15.1.
Variant type: single nucleotide variant.
Coding change: c.1611C>A on transcript NM_000070.3 (MANE Select); coding-DNA position 1611, C replaced by A.
Protein change: p.Tyr537Ter; replaces tyrosine 537 with a stop codon.
Molecular consequence: nonsense.
Genome position (GRCh38, 1-based): chr15:42,402,868, C>A. VCF-style: chr15-42402868-C-A. GRCh37 (hg19) VCF-style: chr15-42695066-C-A.
Other names: NM_000070.3(CAPN3):c.1611C>A; p.Tyr537Ter; c.1611C>A (NM_000070.2); c.1611C>A, p.Tyr537Ter (NM_024344.2); c.1467C>A, p.Tyr489Ter (NM_173087.2); c.75C>A, p.Tyr25Ter (NM_173088.2); short protein forms Y537*, Y489*, Y25*.
Identifiers: ClinVar variation 282617 (VCV000282617.35), dbSNP rs886042439, ClinGen allele CA10604243.